The following is an entry in ClinVar:

NM_015176.4(FBXO28):c.97C>T (p.Pro33Ser)

Gene: FBXO28 (F-box protein 28; plus strand). Cytogenetic location: 1q42.11.
Variant type: single nucleotide variant.
Coding change: c.97C>T on transcript NM_015176.4 (MANE Select); coding-DNA position 97, C replaced by T.
Protein change: p.Pro33Ser; replaces proline 33 with serine.
Molecular consequence: missense variant. On other transcripts: non-coding transcript variant (1).
Genome position (GRCh38, 1-based): chr1:224,114,226, C>T. VCF-style: chr1-224114226-C-T. GRCh37 (hg19) VCF-style: chr1-224301928-C-T.
Other names: c.97C>T, p.Pro33Ser (NM_001136115.3); short protein forms P33S.
Identifiers: ClinVar variation 1199198 (VCV001199198.4), dbSNP rs2102604513, ClinGen allele CA344750570.
Genomic context (GRCh38, chr1:224,114,226, plus strand): 5'-GGAGGCGGCGGCCAAGGCGACGGCGGTTCCTCTTTGGCCTCCGGCTCTACCCAGCGACAG[C>T]CTCCACCGCCCGCGCCACAGCACCCGCAGCCGGGGTCCCAGGCGCTCCCAGCCCCCGCGC-3'
Protein context (NP_055991.1, residues 23-43): SLASGSTQRQ[Pro33Ser]PPPAPQHPQP

ClinVar aggregate classification (germline): Uncertain significance (1 of 4 stars; one submission).

Conditions:
FBXO28-related developmental and epileptic encephalopathy.

Submission:

Illumina Laboratory Services, Illumina
Classification: Uncertain significance for FBXO28-related developmental and epileptic encephalopathy. Last evaluated: 2021-01-27. Review status: criteria provided, single submitter. Criteria: ICSLVariantClassificationCriteria RUGD 01 April 2020. Collection method: clinical testing. Allele origin: unknown.
Comment: The FBXO28 c.97C>T (p.Pro33Ser) variant is a missense variant. A literature search was performed for the gene, cDNA change, and amino acid change. No publications were found based on this search. This variant is not found in the Genome Aggregation Database in a region of good sequence coverage, so the variant is presumed to be rare. The p.Pro33Ser variant is located in the first of five exons encoded by the canonical transcript (NM_015176.3), upstream of the F-box domain. Based on the limited evidence, the p.Pro33Ser variant is classified as a variant of uncertain significance for FBXO28-related developmental and epileptic encephalopathy.